The following is an entry in ClinVar:

ClinVar aggregate classification (germline): Uncertain significance (1 of 4 stars; one submission).

Allele frequency attached by ClinVar (database versions not stated): gnomAD exomes 0.00001 and 0.00002; ExAC 0.00003.
gnomAD v4.1: 11 of 1,614,016 alleles (0.00068%); highest among the groups gnomAD compares: Non-Finnish European, 0.00085%; no homozygotes.

Submission:

Laboratory for Molecular Medicine, Mass General Brigham Personalized Medicine
Classification: Uncertain significance. Last evaluated: 2019-08-27. Review status: criteria provided, single submitter. Criteria: LMM Criteria. Collection method: clinical testing. Allele origin: germline. Observed: 1 variant allele.
Comment: The p.Ala636Gly variant in OTOA has not been previously reported in individuals with hearing loss but has been identified in 0.004% (5/113580) of European chromosomes by gnomAD. Computational prediction tools and conservation analysis suggest that this variant may not impact the protein, though this information is not predictive enough to rule out pathogenicity. In summary, the clinical significance of this variant is uncertain. ACMG/AMP Criteria applied: PM2, BP4.

NM_144672.4(OTOA):c.1907C>G (p.Ala636Gly)

Gene: OTOA (otoancorin). Cytogenetic location: 16p12.2.
Variant type: single nucleotide variant.
Coding change: c.1907C>G on transcript NM_144672.4 (MANE Select); coding-DNA position 1907, C replaced by G.
Protein change: p.Ala636Gly; replaces alanine 636 with glycine.
Molecular consequence: missense variant.
Genome position (GRCh38, 1-based): chr16:21,726,549, C>G. VCF-style: chr16-21726549-C-G. GRCh37 (hg19) VCF-style: chr16-21737870-C-G.
Other names: c.1670C>G, p.Ala557Gly (NM_001161683.2); c.935C>G, p.Ala312Gly (NM_170664.3); short protein forms A312G, A557G, A636G.
Identifiers: ClinVar variation 930084 (VCV000930084.4), dbSNP rs780071647, ClinGen allele CA7952847.